The following is an entry in ClinVar:

ClinVar aggregate classification (germline): Uncertain significance. Review status: criteria provided, multiple submitters, no conflicts (2 of 4 stars). 2 submissions from 2 submitters: Uncertain significance (2). Last evaluated 2022-06-20.

Conditions:
Familial sleep-related hypermotor epilepsy. Also called: Autosomal Dominant Sleep-Related Hypermotor (Hyperkinetic) Epilepsy. Identifiers: Orphanet 98784, MedGen C3696898, MONDO:0000030.

Allele frequency attached by ClinVar (database versions not stated): 1000 Genomes Project 0.00020; 1000 Genomes Project 30x 0.00016.

Submissions (2):

Labcorp Genetics (formerly Invitae), Labcorp
Classification: Uncertain significance. Last evaluated: 2022-06-20. Review status: criteria provided, single submitter. Criteria: Invitae Variant Classification Sherloc (09022015). Collection method: clinical testing. Allele origin: germline.
Comment: In summary, the available evidence is currently insufficient to determine the role of this variant in disease. Therefore, it has been classified as a Variant of Uncertain Significance. Advanced modeling of protein sequence and biophysical properties (such as structural, functional, and spatial information, amino acid conservation, physicochemical variation, residue mobility, and thermodynamic stability) performed at Invitae indicates that this missense variant is not expected to disrupt CHRNA2 protein function. ClinVar contains an entry for this variant (Variation ID: 204955). This variant has not been reported in the literature in individuals affected with CHRNA2-related conditions. This variant is present in population databases (rs149615415, gnomAD 0.007%). This sequence change replaces isoleucine, which is neutral and non-polar, with phenylalanine, which is neutral and non-polar, at codon 96 of the CHRNA2 protein (p.Ile96Phe).

GeneDx
Classification: Uncertain significance. Last evaluated: 2014-06-11. Review status: criteria provided, single submitter. Criteria: GeneDx Variant Classification (06012015). Collection method: clinical testing. Allele origin: germline. Affected: yes.
Comment: p.Ile96Phe (ATC>TTC): c.286 A>T in exon 3 of the CHRNA2 gene (NM_000742.3). A variant of unknown significance has been identified in the CHRNA2 gene. The I96F variant has not been published as a mutation, nor has it been reported as a benign polymorphism to our knowledge. It was not observed in approximately 6,500 individuals of European and African American ancestry in the NHLBI Exome Sequencing Project, indicating it is not a common benign variant in these populations. The I96F substitution occurs at a position that is conserved across species, and in silico analysis predicts this variant is probably damaging to the protein structure/function. However, I96F is a conservative amino acid substitution, which is not likely to impact secondary protein structure as these residues share similar properties. Additionally, this amino acid substitution does not occur within the transmembrane region of the protein, where the vast majority of pathogenic missense mutations have been identified in association with epilepsy (Steinlein et al., 2010). Therefore, based on the currently available information, it is unclear whether this variant is a pathogenic mutation or a rare benign variant. The variant is found in EPILEPSY panel(s).

NM_000742.4(CHRNA2):c.286A>T (p.Ile96Phe)

Gene: CHRNA2 (cholinergic receptor nicotinic alpha 2 subunit; minus strand). Cytogenetic location: 8p21.2.
Variant type: single nucleotide variant.
Coding change: c.286A>T on transcript NM_000742.4 (MANE Select); coding-DNA position 286, A replaced by T.
Protein change: p.Ile96Phe; replaces isoleucine 96 with phenylalanine.
Molecular consequence: missense variant. On other transcripts: 5 prime UTR variant (2), intron variant (3).
Genome position (GRCh38, 1-based): chr8:27,469,769, T>A on the plus strand (A>T on the coding strand, the complement: CHRNA2 is on the minus strand). VCF-style: chr8-27469769-T-A. GRCh37 (hg19) VCF-style: chr8-27327286-T-A.
Other names: p.I96F:ATC>TTC; c.-187A>T (NM_001347706.2); c.-176A>T (NM_001347708.2); c.-179+37A>T (NM_001347705.2); c.249+37A>T (NM_001282455.2); c.-165+37A>T (NM_001347707.2); short protein forms I96F.
Identifiers: ClinVar variation 204955 (VCV000204955.7), dbSNP rs149615415, ClinGen allele CA313432.